The following is an entry in ClinVar:

ClinVar aggregate classification (germline): Uncertain significance. Review status: criteria provided, single submitter (1 of 4 stars). 2 submissions from 2 submitters: Uncertain significance (1). 1 of the submissions does not count toward it. Last evaluated 2025-06-18.

Conditions:
PLXNA3-related disorder. Also called: PLXNA3-related condition.

Submissions (2):

Ambry Genetics
Classification: Uncertain significance. Last evaluated: 2025-06-18. Review status: criteria provided, single submitter. Criteria: Ambry Variant Classification Scheme 2023. Collection method: clinical testing. Allele origin: germline.

PreventionGenetics, part of Exact Sciences
Classification: Uncertain significance for PLXNA3-related condition. Last evaluated: 2024-03-19. Review status: no assertion criteria provided. Collection method: clinical testing. Allele origin: germline. Not counted in ClinVar's aggregate classification.
Comment: The PLXNA3 c.1757T>C variant is predicted to result in the amino acid substitution p.Leu586Pro. To our knowledge, this variant has not been reported in the literature or in a large population database, indicating this variant is rare. At this time, the clinical significance of this variant is uncertain due to the absence of conclusive functional and genetic evidence.

NM_017514.5(PLXNA3):c.1757T>C (p.Leu586Pro)

Gene: PLXNA3 (plexin A3; plus strand). Cytogenetic location: Xq28.
Variant type: single nucleotide variant.
Coding change: c.1757T>C on transcript NM_017514.5 (MANE Select); coding-DNA position 1757, T replaced by C.
Protein change: p.Leu586Pro; replaces leucine 586 with proline.
Molecular consequence: missense variant.
Genome position (GRCh38, 1-based): chrX:154,464,242, T>C. VCF-style: chrX-154464242-T-C. GRCh37 (hg19) VCF-style: chrX-153692585-T-C.
Other names: c.1757T>C (NM_017514.3); short protein forms L586P.
Identifiers: ClinVar variation 3348039 (VCV003348039.2).